The following is an entry in ClinVar:

ClinVar aggregate classification (germline): Conflicting classifications of pathogenicity. Review status: criteria provided, conflicting classifications (1 of 4 stars). 4 submissions from 4 submitters: Likely pathogenic (2); Uncertain significance (1). 1 of the submissions does not count toward it. Last evaluated 2026-09-08.

Conditions:
Hereditary cancer-predisposing syndrome. Also called: Neoplastic Syndromes, Hereditary; Hereditary Cancer Syndrome; Tumor predisposition; Hereditary neoplastic syndrome. Identifiers: Orphanet 140162, MedGen C0027672, MeSH D009386, MONDO:0015356.
Ataxia-telangiectasia syndrome (AT). Also called: LOUIS-BAR SYNDROME; Cerebello-oculocutaneous telangiectasia; Immunodeficiency with ataxia telangiectasia; Ataxia-telangiectasia, complementation group D; AT, COMPLEMENTATION GROUP C; Ataxia-telangiectasia, complementation group E. Identifiers: Orphanet 100, MedGen C0004135, MONDO:0008840, OMIM 208900.

Submissions (4):

Ambry Genetics
Classification: Likely pathogenic for Hereditary cancer-predisposing syndrome. Last evaluated: 2026-09-08. Review status: criteria provided, single submitter. Criteria: Ambry Variant Classification Scheme 2023. Collection method: clinical testing. Allele origin: germline.
Comment: The c.6452+2T>C intronic variant results from a T to C substitution two nucleotides after coding exon 43 in the ATM gene. Variants that disrupt the canonical splice site are expected to result in aberrant splicing. In silico splice site analysis predicts that this alteration will weaken the native splice donor site; however, direct evidence is insufficient at this time (Ambry internal data). A resulting transcript is predicted to be in-frame and is not expected to trigger nonsense-mediated mRNAdecay; although, direct evidence is unavailable. However, the region predicted to be impacted is critical for protein function (Ambry internal data). In an assay testing ATM function, this variant showed a functionally abnormal result (Lee KS et al. Cell, 2025 Sep;188:5081-5099.e27). This variant is considered to be rare based on population cohorts in the Genome Aggregation Database (gnomAD). This nucleotide position is highly conserved in available vertebrate species. Based on the majority of available evidence to date, this variant is likely to be pathogenic.

Women's Health and Genetics/Laboratory Corporation of America, LabCorp
Classification: Likely pathogenic for Ataxia-telangiectasia syndrome. Last evaluated: 2021-05-11. Review status: criteria provided, single submitter. Criteria: LabCorp Variant Classification Summary - May 2015. Collection method: clinical testing. Allele origin: germline.
Comment: Variant summary: ATM c.6452+2T>C is located in a canonical splice-site and is predicted to affect mRNA splicing resulting in a significantly altered protein due to either exon skipping, shortening, or inclusion of intronic material. Several computational tools predict a significant impact on normal splicing: Four predict the variant abolishes the canonical 5' splicing donor site. However, these predictions have yet to be confirmed by functional studies. The variant was absent in 248184 control chromosomes. To our knowledge, no occurrence of c.6452+2T>C in individuals affected with Ataxia-Telangiectasia/Breast cancer and no experimental evidence demonstrating its impact on protein function have been reported. Two clinical diagnostic laboratories have submitted clinical-significance assessments for this variant to ClinVar after 2014 without evidence for independent evaluation. One laboratory classified the variant as likely pathogenic and one laboratory classified the variant as uncertain significance. Based on the evidence outlined above, the variant was classified as likely pathogenic.

GeneDx
Classification: Uncertain significance. Last evaluated: 2016-05-23. Review status: criteria provided, single submitter. Criteria: GeneDx Variant Classification (06012015). Collection method: clinical testing. Allele origin: germline. Affected: yes.
Comment: This variant is denoted ATM c.6452+2T>C or IVS44+2T>C and consists of a T>C nucleotide substitution at the +2 position of intron 44 of the ATM gene. This particular variant has not, to our knowledge, been published in the literature. Although this variant destroys a canonical splice donor site and is predicted to cause abnormal splicing of exon 44, the skipping of exon 44 is predicted to be an in-frame event. Since the rest of the protein is expected to be translated and the loss of this one exon may or may not inhibit proper protein functioning, the clinical significance of ATM c.6452+2T>C remains unclear at this time. Based on the currently available information, we consider ATM c.6452+2T>C to be a variant of uncertain significance.

Counsyl
Classification: Likely pathogenic for Ataxia-telangiectasia syndrome. Last evaluated: 2017-09-18. Review status: no assertion criteria provided. Collection method: clinical testing. Allele origin: unknown. Not counted in ClinVar's aggregate classification.

Literature cited by the submitters: PubMed 40580951 (cited by Ambry Genetics).

NM_000051.4(ATM):c.6452+2T>C

Genes: ATM (ATM serine/threonine kinase; plus strand), C11orf65 (chromosome 11 open reading frame 65; minus strand). Cytogenetic location: 11q22.3.
Variant type: single nucleotide variant.
Coding change: c.6452+2T>C on transcript NM_000051.4 (MANE Select); the canonical splice donor site of the intron after coding-DNA position 6452, T replaced by C.
Molecular consequence: splice donor variant. On other transcripts: intron variant (2).
Genome position (GRCh38, 1-based): chr11:108,320,060, T>C. VCF-style: chr11-108320060-T-C. GRCh37 (hg19) VCF-style: chr11-108190787-T-C.
Other names: c.6452+2T>C (NM_001351834.2); c.641-10989A>G (NM_001330368.2); c.*39-10989A>G (NM_001351110.2).
Identifiers: ClinVar variation 421246 (VCV000421246.7), dbSNP rs1064795006, ClinGen allele CA16619213.